The following is an entry in ClinVar:

ClinVar aggregate classification (germline): Uncertain significance. Review status: criteria provided, multiple submitters, no conflicts (2 of 4 stars). 2 submissions from 2 submitters: Uncertain significance (2). Last evaluated 2026-01-06.

Conditions:
Inborn genetic diseases. Identifiers: MedGen C0950123, MeSH D030342.

Allele frequency attached by ClinVar (database versions not stated): TOPMed below 0.00001; gnomAD 0.00001.
gnomAD v4.1: 19 of 1,613,912 alleles (0.0012%); highest among the groups gnomAD compares: South Asian, 0.0044%; no homozygotes.

Submissions (2):

Labcorp Genetics (formerly Invitae), Labcorp
Classification: Uncertain significance. Last evaluated: 2026-01-06. Review status: criteria provided, single submitter. Criteria: Invitae Variant Classification Sherloc (09022015). Collection method: clinical testing. Allele origin: germline.
Comment: This sequence change replaces proline, which is neutral and non-polar, with leucine, which is neutral and non-polar, at codon 2145 of the COL7A1 protein (p.Pro2145Leu). This variant is not present in population databases (gnomAD no frequency). This variant has not been reported in the literature in individuals affected with COL7A1-related conditions. ClinVar contains an entry for this variant (Variation ID: 3147807). Invitae Evidence Modeling of protein sequence and biophysical properties (such as structural, functional, and spatial information, amino acid conservation, physicochemical variation, residue mobility, and thermodynamic stability) indicates that this missense variant is not expected to disrupt COL7A1 protein function with a negative predictive value of 95%. In summary, the available evidence is currently insufficient to determine the role of this variant in disease. Therefore, it has been classified as a Variant of Uncertain Significance.

Ambry Genetics
Classification: Uncertain significance for Inborn genetic diseases. Last evaluated: 2024-01-16. Review status: criteria provided, single submitter. Criteria: Ambry Variant Classification Scheme 2023. Collection method: clinical testing. Allele origin: germline.

NM_000094.4(COL7A1):c.6434C>T (p.Pro2145Leu)

Gene: COL7A1 (collagen type VII alpha 1 chain; minus strand). Cytogenetic location: 3p21.31.
Variant type: single nucleotide variant.
Coding change: c.6434C>T on transcript NM_000094.4 (MANE Select); coding-DNA position 6434, C replaced by T.
Protein change: p.Pro2145Leu; replaces proline 2145 with leucine.
Molecular consequence: missense variant.
Genome position (GRCh38, 1-based): chr3:48,574,510, G>A on the plus strand (C>T on the coding strand, the complement: COL7A1 is on the minus strand). VCF-style: chr3-48574510-G-A. GRCh37 (hg19) VCF-style: chr3-48611943-G-A.
Other names: short protein forms P2145L.
Identifiers: ClinVar variation 3147807 (VCV003147807.2), dbSNP rs937174861, ClinGen allele CA73976440.